The following is an entry in ClinVar:

ClinVar aggregate classification (germline): Pathogenic/Likely pathogenic. Review status: criteria provided, multiple submitters, no conflicts (2 of 4 stars). 2 submissions from 2 submitters: Pathogenic (1); Likely pathogenic (1). Last evaluated 2025-12-30.

Conditions:
Alstrom syndrome (ALMS). Identifiers: Orphanet 64, MedGen C0268425, MONDO:0008763, OMIM 203800.

Submissions (2):

Natera, Inc.
Classification: Likely pathogenic for Alstrom syndrome. Last evaluated: 2025-12-30. Review status: criteria provided, single submitter. Criteria: Natera Variant Classification Schema (03/2026). Collection method: clinical testing. Allele origin: germline.
Comment: The c.1389dup variant in ALMS1 is a frameshift variant predicted to shift the reading frame beginning at codon 464 and leads to a stop codon 4 codons downstream. This variant is expected to result in nonsense mediated decay, truncation, or a dysfunctional protein product. This variant is rare in the general population with a frequency below the threshold expected for the associated phenotype(s). Given the available evidence, this variant is classified as Likely Pathogenic.

Labcorp Genetics (formerly Invitae), Labcorp
Classification: Pathogenic for Alstrom syndrome. Last evaluated: 2023-12-14. Review status: criteria provided, single submitter. Criteria: Invitae Variant Classification Sherloc (09022015). Collection method: clinical testing. Allele origin: germline.
Comment: This sequence change creates a premature translational stop signal (p.Met464Aspfs*4) in the ALMS1 gene. It is expected to result in an absent or disrupted protein product. Loss-of-function variants in ALMS1 are known to be pathogenic (PMID: 17594715). This variant is not present in population databases (gnomAD no frequency). This premature translational stop signal has been observed in individual(s) with clinical features of Alstrom syndrome (PMID: 36460718). For these reasons, this variant has been classified as Pathogenic.

Literature cited by the submitters: PubMed 17594715 (cited by Labcorp Genetics (formerly Invitae), Labcorp); PubMed 36460718 (cited by Labcorp Genetics (formerly Invitae), Labcorp).

NM_001378454.1(ALMS1):c.1386dup (p.Met463fs)

Gene: ALMS1 (ALMS1 centrosome and basal body associated protein; plus strand). Cytogenetic location: 2p13.1.
Variant type: Duplication.
Coding change: c.1386dup on transcript NM_001378454.1 (MANE Select); coding-DNA position 1386, one base duplicated (G; older notation c.1386dupG).
Protein change: p.Met463fs; shifts the reading frame from methionine 463.
Molecular consequence: frameshift variant.
Genome position (GRCh38, 1-based): chr2:73,432,245, G duplicated; the last of 2 consecutive G bases (chr2:73,432,244-73,432,245); duplicating either gives the same sequence. VCF-style (leftmost placement, unchanged base first): chr2-73432243-A-AG. GRCh37 (hg19) VCF-style: chr2-73659371-A-AG.
Other names: c.1389dup, p.Met464fs (NM_015120.4); short protein forms M463fs, M464fs.
Identifiers: ClinVar variation 2875391 (VCV002875391.4), dbSNP rs2466063041, ClinGen allele CA2586969388.
Genomic context (GRCh38, chr2:73,432,243, plus strand): 5'-TTTGTTCCACATAAGCCAACAAGAGAGTCGGAATATCACTCTTCAGATCTCAGAATGTTG[A>AG]GGATGTCTCCTGACACTGTGCCAAAGGCTCCTAAACATTTAAAAGCAGGTACGTAGAAAA-3'